The following is an entry in ClinVar:

ClinVar aggregate classification (germline): Conflicting classifications of pathogenicity. Review status: criteria provided, conflicting classifications (1 of 4 stars). 3 submissions from 3 submitters: Uncertain significance (1); Benign (2). Last evaluated 2018-01-13.

Conditions:
Acrodermatitis continua suppurativa of Hallopeau (PSORS14). Also called: INTERLEUKIN 36 RECEPTOR ANTAGONIST DEFICIENCY; ACRODERMATITIS CONTINUA OF HALLOPEAU; Psoriasis 14, pustular. Identifiers: Orphanet 163931, MedGen C0392439, MONDO:0013626, OMIM 614204.
Generalized pustular psoriasis. Identifiers: Orphanet 247353, MedGen C0343055, MONDO:0100491.

Allele frequency attached by ClinVar (database versions not stated): gnomAD 0.64649 and 0.65134; TOPMed 0.65789; gnomAD exomes 0.66680; 1000 Genomes Project 30x 0.71393; 1000 Genomes Project 0.71506.

Submissions (3):

Illumina Laboratory Services, Illumina
Classification: Benign for Acrodermatitis continua suppurativa of Hallopeau. Last evaluated: 2018-01-13. Review status: criteria provided, single submitter. Criteria: ICSL Variant Classification Criteria 13 December 2019. Collection method: clinical testing. Allele origin: germline.
Comment: This variant was observed in the ICSL laboratory as part of a predisposition screen in an ostensibly healthy population. It had not been previously curated by ICSL or reported in the Human Gene Mutation Database (HGMD: prior to June 1st, 2018), and was therefore a candidate for classification through an automated scoring system. Utilizing variant allele frequency, disease prevalence and penetrance estimates, and inheritance mode, an automated score was calculated to assess if this variant is too frequent to cause the disease. Based on the score and internal cut-off values, a variant classified as benign is not then subjected to further curation. The score for this variant resulted in a classification of benign for this disease.

Breakthrough Genomics
Classification: Benign. Review status: criteria provided, single submitter. Criteria: ACMG Guidelines, 2015. Collection method: not provided. Allele origin: germline. Inheritance: Autosomal recessive inheritance. Affected: yes.

Clinical Genomics, Uppaluri K&H Personalized Medicine Clinic
Classification: Uncertain significance for Acrodermatitis continua suppurativa of Hallopeau. Review status: criteria provided, single submitter. Criteria: K &amp; H Uppaluri Personalized Medicine Clinic Variant Classification &amp; Assertion Criteria_Updated V.1. Collection method: clinical testing. Allele origin: germline. Inheritance: Autosomal recessive inheritance. Affected: yes. Observed: 1 heterozygote.
Comment: Patients with Generalized pustular Psoriasis, with certain mutations, respond very well to IL-1 antagonists like Anakinra, as IL36RN mutations upregulate IL-1. IL36RN gene encodes IL-36 receptor antagonist (IL-36Ra), which is required for subsequent activation of intracellular NF-κB and mitogen-activated protein kinase pathways. However, the role of rs3180235 is yet to be ascertained.

Literature cited by the submitters: PubMed 27220475 (cited by Clinical Genomics, Uppaluri K&H Personalized Medicine Clinic); PubMed 24656634 (cited by Clinical Genomics, Uppaluri K&H Personalized Medicine Clinic); PubMed 34903506 (cited by Clinical Genomics, Uppaluri K&H Personalized Medicine Clinic).

NM_012275.3(IL36RN):c.*418A>G

Gene: IL36RN (interleukin 36 receptor antagonist; plus strand). Cytogenetic location: 2q14.1.
Variant type: single nucleotide variant.
Coding change: c.*418A>G on transcript NM_012275.3 (MANE Select); 418 bases downstream of the stop codon, A replaced by G.
Molecular consequence: 3 prime UTR variant.
Genome position (GRCh38, 1-based): chr2:113,063,095, A>G. VCF-style: chr2-113063095-A-G. GRCh37 (hg19) VCF-style: chr2-113820672-A-G.
Other names: c.*418A>G (NM_173170.1).
Identifiers: ClinVar variation 330790 (VCV000330790.7), dbSNP rs3180235, ClinGen allele CA10611931.